The following is an entry in ClinVar:

NM_001286.5(CLCN6):c.1319C>G (p.Thr440Arg)

Gene: CLCN6 (chloride voltage-gated channel 6; plus strand). Cytogenetic location: 1p36.22.
Variant type: single nucleotide variant.
Coding change: c.1319C>G on transcript NM_001286.5 (MANE Select); coding-DNA position 1319, C replaced by G.
Protein change: p.Thr440Arg; replaces threonine 440 with arginine.
Molecular consequence: missense variant. On other transcripts: non-coding transcript variant (1).
Genome position (GRCh38, 1-based): chr1:11,833,585, C>G. VCF-style: chr1-11833585-C-G. GRCh37 (hg19) VCF-style: chr1-11893642-C-G.
Other names: c.1253C>G, p.Thr418Arg (NM_001256959.2); short protein forms T418R, T440R.
Identifiers: ClinVar variation 2812963 (VCV002812963.3), dbSNP rs2523151357, ClinGen allele CA338434433.

ClinVar aggregate classification (germline): Uncertain significance (1 of 4 stars; one submission).

Submission:

Labcorp Genetics (formerly Invitae), Labcorp
Classification: Uncertain significance. Last evaluated: 2022-11-08. Review status: criteria provided, single submitter. Criteria: Invitae Variant Classification Sherloc (09022015). Collection method: clinical testing. Allele origin: germline.
Comment: This sequence change replaces threonine, which is neutral and polar, with arginine, which is basic and polar, at codon 440 of the CLCN6 protein (p.Thr440Arg). This variant is not present in population databases (gnomAD no frequency). This variant has not been reported in the literature in individuals affected with CLCN6-related conditions. Algorithms developed to predict the effect of missense changes on protein structure and function are either unavailable or do not agree on the potential impact of this missense change (SIFT: "Deleterious"; PolyPhen-2: "Probably Damaging"; Align-GVGD: "Class C0"). Algorithms developed to predict the effect of sequence changes on RNA splicing suggest that this variant may disrupt the consensus splice site. In summary, the available evidence is currently insufficient to determine the role of this variant in disease. Therefore, it has been classified as a Variant of Uncertain Significance.